The following is an entry in ClinVar:

NM_006270.5(RRAS):c.356T>G (p.Val119Gly)

Gene: RRAS (RAS related; minus strand). Cytogenetic location: 19q13.33.
Variant type: single nucleotide variant.
Coding change: c.356T>G on transcript NM_006270.5 (MANE Select); coding-DNA position 356, T replaced by G.
Protein change: p.Val119Gly; replaces valine 119 with glycine.
Molecular consequence: missense variant.
Genome position (GRCh38, 1-based): chr19:49,636,716, A>C on the plus strand (T>G on the coding strand, the complement: RRAS is on the minus strand). VCF-style: chr19-49636716-A-C. GRCh37 (hg19) VCF-style: chr19-50139973-A-C.
Other names: short protein forms V119G.
Identifiers: ClinVar variation 1446604 (VCV001446604.6), dbSNP rs2122419368, ClinGen allele CA406846674.
Genomic context (GRCh38, chr19:49,636,716, plus strand): 5'-AACACAACGGGGAAGTCGTCGCGGTCCTTGACCCGCAGAATCTGCGTGAAGAGCTTGCCC[A>C]CCTCGTTGAAACTGCGAGTGAAGCCGGAGGCATGAGGTCCAGCCAGCTGCAGAGCCCAGG-3'
Protein context (NP_006261.1, residues 109-129): AINDRQSFNE[Val119Gly]GKLFTQILRV

ClinVar aggregate classification (germline): Uncertain significance (1 of 4 stars; one submission).

Conditions:
Noonan syndrome (NS). Also called: Noonan's syndrome. Identifiers: Orphanet 648, MedGen C0028326, MeSH D009634, MONDO:0018997. Disease mechanism: gain of function.

Submission:

Labcorp Genetics (formerly Invitae), Labcorp
Classification: Uncertain significance for Noonan syndrome. Last evaluated: 2021-09-21. Review status: criteria provided, single submitter. Criteria: Invitae Variant Classification Sherloc (09022015). Collection method: clinical testing. Allele origin: germline.
Comment: This sequence change replaces valine with glycine at codon 119 of the RRAS protein (p.Val119Gly). The valine residue is moderately conserved and there is a moderate physicochemical difference between valine and glycine. This variant is not present in population databases (ExAC no frequency). This variant has not been reported in the literature in individuals affected with RRAS-related conditions. Algorithms developed to predict the effect of missense changes on protein structure and function are either unavailable or do not agree on the potential impact of this missense change (SIFT: "Deleterious"; PolyPhen-2: "Possibly Damaging"; Align-GVGD: "Class C0"). In summary, the available evidence is currently insufficient to determine the role of this variant in disease. Therefore, it has been classified as a Variant of Uncertain Significance.